The following is an entry in ClinVar:

NM_006904.7(PRKDC):c.5188C>A (p.Pro1730Thr)

Gene: PRKDC (protein kinase, DNA-activated, catalytic subunit; minus strand). Cytogenetic location: 8q11.21.
Variant type: single nucleotide variant.
Coding change: c.5188C>A on transcript NM_006904.7 (MANE Select); coding-DNA position 5188, C replaced by A.
Protein change: p.Pro1730Thr; replaces proline 1730 with threonine.
Molecular consequence: missense variant.
Genome position (GRCh38, 1-based): chr8:47,879,538, G>T on the plus strand (C>A on the coding strand, the complement: PRKDC is on the minus strand). VCF-style: chr8-47879538-G-T. GRCh37 (hg19) VCF-style: chr8-48792099-G-T.
Other names: c.5188C>A, p.Pro1730Thr (NM_001081640.2); short protein forms P1730T.
Identifiers: ClinVar variation 1745890 (VCV001745890.2), dbSNP rs1194662195, ClinGen allele CA371138401.

ClinVar aggregate classification (germline): Uncertain significance (1 of 4 stars; one submission).

Submission:

Ambry Genetics
Classification: Uncertain significance. Last evaluated: 2022-09-25. Review status: criteria provided, single submitter. Criteria: Ambry Variant Classification Scheme 2023. Collection method: clinical testing. Allele origin: germline.
Comment: The p.P1730T variant (also known as c.5188C>A), located in coding exon 39 of the PRKDC gene, results from a C to A substitution at nucleotide position 5188. The proline at codon 1730 is replaced by threonine, an amino acid with highly similar properties. This amino acid position is conserved. In addition, the in silico prediction for this alteration is inconclusive. Since supporting evidence is limited at this time, the clinical significance of this alteration remains unclear.